The following is an entry in ClinVar:

ClinVar aggregate classification (germline): Uncertain significance (1 of 4 stars; one submission).

Conditions:
Pelizaeus-Merzbacher disease. Also called: Pelizaeus-Merzbacher spectrum disorder; Pelizaeus-Merzbacher Disease (PMD); LEUKODYSTROPHY, HYPOMYELINATING, 1; Sudanophilic leukodystrophy; Pelizeaus-Merzbacher spectrum disorder. Identifiers: Orphanet 702, MedGen C0205711, MONDO:0010714, OMIM 312080, HP:0003269.

Submission:

Institute of Human Genetics, University of Leipzig Medical Center
Classification: Uncertain significance for Pelizaeus-Merzbacher disease. Last evaluated: 2022-05-11. Review status: criteria provided, single submitter. Criteria: ACMG Guidelines, 2015. Collection method: clinical testing. Allele origin: maternal. Affected: yes.
Comment: This variant was identified as hemizygous._x000D_ Criteria applied: PM2_SUP, PP3

NM_000533.5(PLP1):c.74G>T (p.Cys25Phe)

Genes: PLP1 (proteolipid protein 1; plus strand), RAB9B (RAB9B, member RAS oncogene family; minus strand). Cytogenetic location: Xq22.2.
Variant type: single nucleotide variant.
Coding change: c.74G>T on transcript NM_000533.5 (MANE Select); coding-DNA position 74, G replaced by T.
Protein change: p.Cys25Phe; replaces cysteine 25 with phenylalanine.
Molecular consequence: missense variant. On other transcripts: intron variant (1).
Genome position (GRCh38, 1-based): chrX:103,785,651, G>T. VCF-style: chrX-103785651-G-T. GRCh37 (hg19) VCF-style: chrX-103040580-G-T.
Other names: c.74G>T, p.Cys25Phe (NM_001128834.3, NM_199478.3); c.5-96G>T (NM_001305004.1); short protein forms C25F.
Identifiers: ClinVar variation 1691851 (VCV001691851.1), dbSNP rs2147762985, ClinGen allele CA414101961.